The following is an entry in ClinVar:

ClinVar aggregate classification (germline): Pathogenic/Likely pathogenic. Review status: criteria provided, multiple submitters, no conflicts (2 of 4 stars). 2 submissions from 2 submitters: Pathogenic (1); Likely pathogenic (1). Last evaluated 2023-08-31.

Conditions:
Lysinuric protein intolerance (LPI). Identifiers: Orphanet 470, MedGen C0268647, MONDO:0009109, OMIM 222700.

Submissions (2):

Labcorp Genetics (formerly Invitae), Labcorp
Classification: Pathogenic for Lysinuric protein intolerance. Last evaluated: 2023-08-31. Review status: criteria provided, single submitter. Criteria: Invitae Variant Classification Sherloc (09022015). Collection method: clinical testing. Allele origin: germline.
Comment: This sequence change creates a premature translational stop signal (p.Glu256*) in the SLC7A7 gene. It is expected to result in an absent or disrupted protein product. Loss-of-function variants in SLC7A7 are known to be pathogenic (PMID: 10631139, 17764084). This variant is not present in population databases (gnomAD no frequency). This variant has not been reported in the literature in individuals affected with SLC7A7-related conditions. ClinVar contains an entry for this variant (Variation ID: 1070579). For these reasons, this variant has been classified as Pathogenic.

Baylor Genetics
Classification: Likely pathogenic for Lysinuric protein intolerance. Last evaluated: 2023-02-22. Review status: criteria provided, single submitter. Criteria: ACMG Guidelines, 2015. Collection method: clinical testing. Allele origin: unknown.

Literature cited by the submitters: PubMed 10631139 (cited by Labcorp Genetics (formerly Invitae), Labcorp); PubMed 17764084 (cited by Labcorp Genetics (formerly Invitae), Labcorp).

NM_003982.4(SLC7A7):c.766G>T (p.Glu256Ter)

Gene: SLC7A7 (solute carrier family 7 member 7; minus strand). Cytogenetic location: 14q11.2.
Variant type: single nucleotide variant.
Coding change: c.766G>T on transcript NM_003982.4 (MANE Select); coding-DNA position 766, G replaced by T.
Protein change: p.Glu256Ter; replaces glutamic acid 256 with a stop codon.
Molecular consequence: nonsense.
Genome position (GRCh38, 1-based): chr14:22,778,797, C>A on the plus strand (G>T on the coding strand, the complement: SLC7A7 is on the minus strand). VCF-style: chr14-22778797-C-A. GRCh37 (hg19) VCF-style: chr14-23248006-C-A.
Other names: c.766G>T, p.Glu256Ter (NM_001126105.3, NM_001126106.4); short protein forms E256*.
Identifiers: ClinVar variation 1070579 (VCV001070579.8), dbSNP rs2139394686, ClinGen allele CA388923881.